The following is an entry in ClinVar:

ClinVar aggregate classification (germline): Likely benign. Review status: criteria provided, multiple submitters, no conflicts (2 of 4 stars). 3 submissions from 3 submitters: Likely benign (3). Last evaluated 2025-09-04.

Conditions:
Retinal dystrophy. Also called: Inherited retinal dystrophy. Identifiers: Orphanet 71862, MedGen C0854723, MeSH D058499, MONDO:0019118, HP:0000556.
USH2A-related disorder. Also called: USH2A-related condition; USH2A-related disorders. Identifiers: MedGen CN239332.

Allele frequency attached by ClinVar (database versions not stated): ExAC 0.00001; gnomAD 0.00001; gnomAD exomes 0.00001; TOPMed 0.00003.
gnomAD v4.1: 16 of 1,613,690 alleles (0.00099%); highest among the groups gnomAD compares: East Asian, 0.011%; no homozygotes.

Submissions (3):

PreventionGenetics, part of Exact Sciences
Classification: Likely benign for USH2A-related condition. Last evaluated: 2025-09-04. Review status: criteria provided, single submitter. Criteria: ACMG Guidelines, 2015. Collection method: clinical testing. Allele origin: germline.
Comment: This variant is classified as likely benign based on ACMG/AMP sequence variant interpretation guidelines (Richards et al. 2015 PMID: 25741868, with internal and published modifications).

Labcorp Genetics (formerly Invitae), Labcorp
Classification: Likely benign. Last evaluated: 2025-05-08. Review status: criteria provided, single submitter. Criteria: Invitae Variant Classification Sherloc (09022015). Collection method: clinical testing. Allele origin: germline.

Dept Of Ophthalmology, Nagoya University
Classification: Likely benign for Retinal dystrophy. Last evaluated: 2023-10-01. Review status: criteria provided, single submitter. Criteria: Submitter's publication. Collection method: research. Allele origin: germline. Affected: yes.

NM_206933.4(USH2A):c.13833G>A (p.Ala4611=)

Gene: USH2A (usherin; minus strand). Cytogenetic location: 1q41.
Variant type: single nucleotide variant.
Coding change: c.13833G>A on transcript NM_206933.4 (MANE Select); coding-DNA position 13833, G replaced by A.
Protein change: p.Ala4611=; no amino-acid change (alanine 4611 retained).
Molecular consequence: synonymous variant.
Genome position (GRCh38, 1-based): chr1:215,671,272, C>T on the plus strand (G>A on the coding strand, the complement: USH2A is on the minus strand). VCF-style: chr1-215671272-C-T. GRCh37 (hg19) VCF-style: chr1-215844614-C-T.
Identifiers: ClinVar variation 766165 (VCV000766165.12), dbSNP rs760266483, ClinGen allele CA1393189.
Genomic context (GRCh38, chr1:215,671,272, plus strand): 5'-TGCAATCTCAGGGGTCTGTATGAATGTCCAGTCACTTGATGCACATCCCAGGGTGGTGCA[C>T]GCTTGAATTCGTATTTCATACCTTCAGGACATAAGGCAGAAATTAGTGATTTTCAGCAAA-3'
Protein context (NP_996816.3, residues 4601-4621): PFHRYEIRIQ[Ala4611=]CTTLGCASSD